The following is an entry in ClinVar:

ClinVar aggregate classification (germline): Uncertain significance. Review status: criteria provided, multiple submitters, no conflicts (2 of 4 stars). 4 submissions from 4 submitters: Uncertain significance (4). Last evaluated 2026-06-13.

Conditions:
PKD1-related disorder. Also called: PKD1-related condition.
Inborn genetic diseases. Identifiers: MedGen C0950123, MeSH D030342.
Polycystic kidney disease, adult type (PKD1). Also called: Polycystic Kidney Disease 1, Autosomal Dominant; Polycystic kidney disease 1; Polycystic kidney disease 1, severe; POLYCYSTIC KIDNEY DISEASE 1 WITH OR WITHOUT POLYCYSTIC LIVER DISEASE; POLYCYSTIC KIDNEY DISEASE, ADULT, TYPE I; Polycystic Kidney, Autosomal Dominant. Identifiers: MedGen C3149841, MONDO:0008263, OMIM 173900.

gnomAD v4.1: 13 of 1,588,622 alleles (0.00082%); highest among the groups gnomAD compares: East Asian, 0.011%; no homozygotes.

Submissions (4):

PreventionGenetics, part of Exact Sciences
Classification: Uncertain significance for PKD1-related condition. Last evaluated: 2026-06-13. Review status: criteria provided, single submitter. Criteria: ACMG Guidelines, 2015. Collection method: clinical testing. Allele origin: germline.
Comment: The PKD1 c.2425C>T variant is predicted to result in the amino acid substitution p.His809Tyr. To our knowledge, this variant has not been reported in the literature. This variant is reported in 0.0073% of alleles in individuals of South Asian descent in gnomAD. At this time, the clinical significance of this variant is uncertain due to the absence of conclusive functional and genetic evidence.

Ambry Genetics
Classification: Uncertain significance for Inborn genetic diseases. Last evaluated: 2024-06-07. Review status: criteria provided, single submitter. Criteria: Ambry Variant Classification Scheme 2023. Collection method: clinical testing. Allele origin: germline.

Fulgent Genetics
Classification: Uncertain significance for Polycystic kidney disease, adult type. Last evaluated: 2024-05-23. Review status: criteria provided, single submitter. Criteria: ACMG Guidelines, 2015. Collection method: clinical testing. Allele origin: germline.

Clinical Genomics Laboratory, Stanford Medicine
Classification: Uncertain significance for Polycystic kidney disease, adult type. Last evaluated: 2022-09-09. Review status: criteria provided, single submitter. Criteria: ACMG Guidelines, 2015. Collection method: clinical testing. Allele origin: germline. Observed: 1 variant allele, 1 heterozygote.

NM_001009944.3(PKD1):c.2425C>T (p.His809Tyr)

Gene: PKD1 (polycystin 1, transient receptor potential channel interacting; minus strand). Cytogenetic location: 16p13.3.
Variant type: single nucleotide variant.
Coding change: c.2425C>T on transcript NM_001009944.3 (MANE Select); coding-DNA position 2425, C replaced by T.
Protein change: p.His809Tyr; replaces histidine 809 with tyrosine.
Molecular consequence: missense variant.
Genome position (GRCh38, 1-based): chr16:2,114,598, G>A on the plus strand (C>T on the coding strand, the complement: PKD1 is on the minus strand). VCF-style: chr16-2114598-G-A. GRCh37 (hg19) VCF-style: chr16-2164599-G-A.
Other names: c.2425C>T, p.His809Tyr (NM_000296.4); short protein forms H809Y.
Identifiers: ClinVar variation 3306800 (VCV003306800.4).